The following is an entry in ClinVar:

NM_001024630.4(RUNX2):c.1085C>T (p.Ala362Val)

Gene: RUNX2 (RUNX family transcription factor 2; plus strand). Cytogenetic location: 6p21.1.
Variant type: single nucleotide variant.
Coding change: c.1085C>T on transcript NM_001024630.4 (MANE Select); coding-DNA position 1085, C replaced by T.
Protein change: p.Ala362Val; replaces alanine 362 with valine.
Molecular consequence: missense variant. On other transcripts: intron variant (2).
Genome position (GRCh38, 1-based): chr6:45,545,280, C>T. VCF-style: chr6-45545280-C-T. GRCh37 (hg19) VCF-style: chr6-45513017-C-T.
Other names: c.1043C>T, p.Ala348Val (NM_001369405.1); c.1022-1547C>T (NM_001015051.4); c.980-1547C>T (NM_001278478.2); short protein forms A348V, A362V.
Identifiers: ClinVar variation 870903 (VCV000870903.42), dbSNP rs1802363925, ClinGen allele CA363956454.
Genomic context (GRCh38, chr6:45,545,280, plus strand): 5'-ATGACACTGCCACCTCTGACTTCTGCCTCTGGCCTTCCACTCTCAGTAAGAAGAGCCAGG[C>T]AGGTGAGACTTTTAACAATTGCTGGGCTGGGCAGGGCTGGGCTGGGCTGGGCTGTCTGGT-3'
Protein context (NP_001019801.3, residues 352-372): WPSTLSKKSQ[Ala362Val]GASELGPFSD

ClinVar aggregate classification (germline): Pathogenic. Review status: criteria provided, multiple submitters, no conflicts (2 of 4 stars). 2 submissions from 2 submitters: Pathogenic (2). Last evaluated 2025-04-28.

Submissions (2):

Labcorp Genetics (formerly Invitae), Labcorp
Classification: Pathogenic. Last evaluated: 2025-04-28. Review status: criteria provided, single submitter. Criteria: Invitae Variant Classification Sherloc (09022015). Collection method: clinical testing. Allele origin: germline.
Comment: This sequence change replaces alanine, which is neutral and non-polar, with valine, which is neutral and non-polar, at codon 362 of the RUNX2 protein (p.Ala362Val). This variant is not present in population databases (gnomAD no frequency). This missense change has been observed in individual(s) with cleidocranial dysplasia (PMID: 12196916; internal data). In at least one individual the variant was observed to be de novo. This variant is also known as c.1043C>T, A348V. ClinVar contains an entry for this variant (Variation ID: 870903). An algorithm developed to predict the effect of missense changes on protein structure and function (PolyPhen-2) suggests that this variant is likely to be tolerated. Experimental studies have shown that this missense change affects RUNX2 function (PMID: 12196916, 22912713). Algorithms developed to predict the effect of sequence changes on RNA splicing suggest that this variant may disrupt the consensus splice site. For these reasons, this variant has been classified as Pathogenic.

CeGaT Center for Human Genetics Tuebingen
Classification: Pathogenic. Last evaluated: 2019-07-01. Review status: criteria provided, single submitter. Criteria: CeGaT Center For Human Genetics Tuebingen Variant Classification Criteria Version 2. Collection method: clinical testing. Allele origin: germline. Affected: yes. Observed: 3 variant alleles.

Literature cited by the submitters: PubMed 12196916 (cited by Labcorp Genetics (formerly Invitae), Labcorp); PubMed 22912713 (cited by Labcorp Genetics (formerly Invitae), Labcorp).